The following is an entry in ClinVar:

ClinVar aggregate classification (germline): Pathogenic. Review status: criteria provided, multiple submitters, no conflicts (2 of 4 stars). 2 submissions from 2 submitters: Pathogenic (2). Last evaluated 2023-08-29.

Conditions:
Retinitis pigmentosa 39 (RP39). Identifiers: Orphanet 791, MedGen C3151138, MONDO:0013436, OMIM 613809.

Submissions (2):

Baylor Genetics
Classification: Pathogenic for Retinitis pigmentosa 39. Last evaluated: 2023-08-29. Review status: criteria provided, single submitter. Criteria: ACMG Guidelines, 2015. Collection method: clinical testing. Allele origin: unknown.

Labcorp Genetics (formerly Invitae), Labcorp
Classification: Pathogenic. Last evaluated: 2023-07-16. Review status: criteria provided, single submitter. Criteria: Invitae Variant Classification Sherloc (09022015). Collection method: clinical testing. Allele origin: germline.
Comment: For these reasons, this variant has been classified as Pathogenic. Algorithms developed to predict the effect of sequence changes on RNA splicing suggest that this variant may disrupt the consensus splice site. ClinVar contains an entry for this variant (Variation ID: 1070936). Disruption of this splice site has been observed in individuals with Usher syndrome or retinitis pigmentosa (PMID: 22135276, 24938718, 26377068, 27460420). This variant is not present in population databases (gnomAD no frequency). This sequence change affects a donor splice site in intron 47 of the USH2A gene. It is expected to disrupt RNA splicing. Variants that disrupt the donor or acceptor splice site typically lead to a loss of protein function (PMID: 16199547), and loss-of-function variants in USH2A are known to be pathogenic (PMID: 10729113, 10909849, 20507924, 25649381).

Literature cited by the submitters: PubMed 22135276 (cited by Labcorp Genetics (formerly Invitae), Labcorp); PubMed 24938718 (cited by Labcorp Genetics (formerly Invitae), Labcorp); PubMed 26377068 (cited by Labcorp Genetics (formerly Invitae), Labcorp); PubMed 27460420 (cited by Labcorp Genetics (formerly Invitae), Labcorp); PubMed 16199547 (cited by Labcorp Genetics (formerly Invitae), Labcorp); PubMed 10729113 (cited by Labcorp Genetics (formerly Invitae), Labcorp); PubMed 10909849 (cited by Labcorp Genetics (formerly Invitae), Labcorp); PubMed 20507924 (cited by Labcorp Genetics (formerly Invitae), Labcorp); PubMed 25649381 (cited by Labcorp Genetics (formerly Invitae), Labcorp).

NM_206933.4(USH2A):c.9371+1G>A

Gene: USH2A (usherin; minus strand). Cytogenetic location: 1q41.
Variant type: single nucleotide variant.
Coding change: c.9371+1G>A on transcript NM_206933.4 (MANE Select); the canonical splice donor site of the intron after coding-DNA position 9371, G replaced by A.
Molecular consequence: splice donor variant.
Genome position (GRCh38, 1-based): chr1:215,837,990, C>T on the plus strand (G>A on the coding strand, the complement: USH2A is on the minus strand). VCF-style: chr1-215837990-C-T. GRCh37 (hg19) VCF-style: chr1-216011332-C-T.
Identifiers: ClinVar variation 1070936 (VCV001070936.10), dbSNP rs41308425, ClinGen allele CA344834530.
Genomic context (GRCh38, chr1:215,837,990, plus strand): 5'-TTTTTATTTTCATTTCTTCTGATCAGAGTTCCTTAGATTTAACTGACACAAAATTTTGTA[C>T]CTTGAAGTGATGCCACGAATTGTGGGTGTTGGTATATCACTTGGAGTGTCTTCCACAGTG-3'